The following is an entry in ClinVar:

ClinVar aggregate classification (germline): Benign/Likely benign. Review status: criteria provided, multiple submitters, no conflicts (2 of 4 stars). 2 submissions from 2 submitters: Benign (1); Likely benign (1). Last evaluated 2024-09-10.

Conditions:
Familial cancer of breast. Also called: hereditary breast carcinoma; Hereditary breast cancer; BREAST CANCER, FAMILIAL. Identifiers: Orphanet 227535, MedGen C0346153, MONDO:0016419, OMIM 114480. Disease mechanism: loss of function.
Fanconi anemia complementation group J. Also called: BRIP1-Related Fanconi Anemia. Identifiers: Orphanet 84, MedGen C1836860, MONDO:0012187, OMIM 609054.

Submissions (2):

Myriad Genetics, Inc.
Classification: Benign for Familial cancer of breast. Last evaluated: 2024-09-10. Review status: criteria provided, single submitter. Criteria: Myriad Autosomal Dominant, Autosomal Recessive and X-Linked Classification Criteria (2023). Collection method: clinical testing. Allele origin: unknown.
Comment: This variant is considered benign. This variant is a silent/synonymous amino acid change and it is not expected to impact splicing.

Labcorp Genetics (formerly Invitae), Labcorp
Classification: Likely benign for Familial cancer of breast; Fanconi anemia complementation group J. Last evaluated: 2022-02-17. Review status: criteria provided, single submitter. Criteria: Invitae Variant Classification Sherloc (09022015). Collection method: clinical testing. Allele origin: germline.

NM_032043.3(BRIP1):c.3600T>C (p.His1200=)

Gene: BRIP1 (BRCA1 interacting DNA helicase 1; minus strand). Cytogenetic location: 17q23.2.
Variant type: single nucleotide variant.
Coding change: c.3600T>C on transcript NM_032043.3 (MANE Select); coding-DNA position 3600, T replaced by C.
Protein change: p.His1200=; no amino-acid change (histidine 1200 retained).
Molecular consequence: synonymous variant.
Genome position (GRCh38, 1-based): chr17:61,683,446, A>G on the plus strand (T>C on the coding strand, the complement: BRIP1 is on the minus strand). VCF-style: chr17-61683446-A-G. GRCh37 (hg19) VCF-style: chr17-59760807-A-G.
Identifiers: ClinVar variation 2098068 (VCV002098068.5), dbSNP rs1441586932, ClinGen allele CA501335217.